The following is an entry in ClinVar:

ClinVar aggregate classification (germline): Uncertain significance. Review status: criteria provided, multiple submitters, no conflicts (2 of 4 stars). 2 submissions from 2 submitters: Uncertain significance (2). Last evaluated 2024-02-20.

Conditions:
Congenital myotonia, autosomal recessive form. Also called: BECKER DISEASE; Becker Generalized Myotonia; myotonia congenita, autosomal recessive. Identifiers: Orphanet 614, MedGen C0751360, MONDO:0009715, OMIM 255700.

Allele frequency attached by ClinVar (database versions not stated): gnomAD exomes below 0.00001.
gnomAD v4.1: 1 of 1,406,344 alleles (0.000071%); highest among the groups gnomAD compares: Non-Finnish European, 0.0001%; no homozygotes.

Submissions (2):

Laboratory of Medical Genetics, National & Kapodistrian University of Athens
Classification: Uncertain significance for Congenital myotonia, autosomal recessive form. Last evaluated: 2024-02-20. Review status: criteria provided, single submitter. Criteria: ACMG Guidelines, 2015. Collection method: clinical testing. Allele origin: germline. Affected: yes.

CeGaT Center for Human Genetics Tuebingen
Classification: Uncertain significance. Last evaluated: 2023-09-01. Review status: criteria provided, single submitter. Criteria: CeGaT Center For Human Genetics Tuebingen Variant Classification Criteria Version 2. Collection method: clinical testing. Allele origin: germline. Affected: yes. Observed: 1 variant allele.
Comment: CLCN1: PM2, PM3:Supporting

NM_000083.3(CLCN1):c.-59C>A

Gene: CLCN1 (chloride voltage-gated channel 1; plus strand). Cytogenetic location: 7q34.
Variant type: single nucleotide variant.
Coding change: c.-59C>A on transcript NM_000083.3 (MANE Select); 59 bases upstream of the start codon, C replaced by A.
Molecular consequence: 5 prime UTR variant. On other transcripts: non-coding transcript variant (1).
Genome position (GRCh38, 1-based): chr7:143,316,154, C>A. VCF-style: chr7-143316154-C-A. GRCh37 (hg19) VCF-style: chr7-143013247-C-A.
Identifiers: ClinVar variation 2658114 (VCV002658114.25), dbSNP rs2487014527, ClinGen allele CA2685377901.